The following is an entry in ClinVar:

ClinVar aggregate classification (germline): Uncertain significance. Review status: criteria provided, multiple submitters, no conflicts (2 of 4 stars). 4 submissions from 4 submitters: Uncertain significance (4). Last evaluated 2026-04-01.

Allele frequency attached by ClinVar (database versions not stated): gnomAD 0.00001; gnomAD exomes 0.00001 and 0.00002; TOPMed 0.00001; ExAC 0.00002.
gnomAD v4.1: 30 of 1,613,912 alleles (0.0019%); highest among the groups gnomAD compares: Middle Eastern, 0.016%; no homozygotes.

Submissions (4):

GeneDx
Classification: Uncertain significance. Last evaluated: 2026-04-01. Review status: criteria provided, single submitter. Criteria: GeneDx Variant Classification Process June 2021. Collection method: clinical testing. Allele origin: germline.
Comment: In silico analysis suggests that this missense variant does not alter protein structure/function; Has not been previously published as pathogenic or benign to our knowledge

Labcorp Genetics (formerly Invitae), Labcorp
Classification: Uncertain significance. Last evaluated: 2022-06-25. Review status: criteria provided, single submitter. Criteria: Invitae Variant Classification Sherloc (09022015). Collection method: clinical testing. Allele origin: germline.
Comment: This sequence change replaces arginine, which is basic and polar, with cysteine, which is neutral and slightly polar, at codon 745 of the WHRN protein (p.Arg745Cys). This variant is present in population databases (rs760384450, gnomAD 0.01%). This variant has not been reported in the literature in individuals affected with WHRN-related conditions. Algorithms developed to predict the effect of missense changes on protein structure and function are either unavailable or do not agree on the potential impact of this missense change (SIFT: "Deleterious"; PolyPhen-2: "Probably Damaging"; Align-GVGD: "Class C0"). In summary, the available evidence is currently insufficient to determine the role of this variant in disease. Therefore, it has been classified as a Variant of Uncertain Significance.

Blueprint Genetics
Classification: Uncertain significance. Last evaluated: 2022-01-13. Review status: criteria provided, single submitter. Criteria: ACMG Guidelines, 2015. Collection method: clinical testing. Allele origin: germline.

Breakthrough Genomics
Classification: Uncertain significance. Review status: criteria provided, single submitter. Criteria: ACMG Guidelines, 2015. Collection method: not provided. Allele origin: germline. Inheritance: Autosomal recessive inheritance. Affected: yes.

NM_015404.4(WHRN):c.2233C>T (p.Arg745Cys)

Gene: WHRN (whirlin; minus strand). Cytogenetic location: 9q32.
Variant type: single nucleotide variant.
Coding change: c.2233C>T on transcript NM_015404.4 (MANE Select); coding-DNA position 2233, C replaced by T.
Protein change: p.Arg745Cys; replaces arginine 745 with cysteine.
Molecular consequence: missense variant.
Genome position (GRCh38, 1-based): chr9:114,406,358, G>A on the plus strand (C>T on the coding strand, the complement: WHRN is on the minus strand). VCF-style: chr9-114406358-G-A. GRCh37 (hg19) VCF-style: chr9-117168638-G-A.
Other names: c.1084C>T, p.Arg362Cys (NM_001083885.3); c.2233C>T, p.Arg745Cys (NM_001173425.2); c.1180C>T, p.Arg394Cys (NM_001346890.1); c.2233C>T (NM_015404.2); short protein forms R394C, R362C, R745C.
Identifiers: ClinVar variation 1387768 (VCV001387768.8), dbSNP rs760384450, ClinGen allele CA5205712.
Genomic context (GRCh38, chr9:114,406,358, plus strand): 5'-GACCTGAAGAGGACAGGGACCCCCAAGGACCACAGAGCCTGGCCTTGCTGTACTCACTGC[G>A]CGTCTGGGGCAGCGCCCTCACTTCATTGACGTCTGGCTCGCTGTCGGGGCGGTGGACCTC-3'
Protein context (NP_056219.3, residues 735-755): VNEVRALPQT[Arg745Cys]TASTLSQLSD